The following is an entry in ClinVar:

NM_004577.4(PSPH):c.446C>T (p.Thr149Met)

Gene: PSPH (phosphoserine phosphatase; minus strand). Cytogenetic location: 7p11.2.
Variant type: single nucleotide variant.
Coding change: c.446C>T on transcript NM_004577.4 (MANE Select); coding-DNA position 446, C replaced by T.
Protein change: p.Thr149Met; replaces threonine 149 with methionine.
Molecular consequence: missense variant.
Genome position (GRCh38, 1-based): chr7:56,015,147, G>A on the plus strand (C>T on the coding strand, the complement: PSPH is on the minus strand). VCF-style: chr7-56015147-G-A. GRCh37 (hg19) VCF-style: chr7-56082840-G-A.
Other names: c.446C>T, p.Thr149Met (NM_001370503.1, NM_001370504.1, NM_001370505.1 and 17 more transcripts); short protein forms T149M.
Identifiers: ClinVar variation 1382194 (VCV001382194.4), dbSNP rs374024099, ClinGen allele CA4268629.

ClinVar aggregate classification (germline): Uncertain significance (1 of 4 stars; one submission).

Conditions:
Deficiency of phosphoserine phosphatase (PSPHD). Also called: Phosphoserine phosphatase deficiency; PSPH deficiency. Identifiers: Orphanet 79350, MedGen C1291463, MONDO:0013531, OMIM 614023.

Allele frequency attached by ClinVar (database versions not stated): TOPMed 0.00002; gnomAD 0.00001; gnomAD exomes 0.00002; ESP Exome Variant Server 0.00008; ExAC 0.00002.
gnomAD v4.1: 23 of 1,613,754 alleles (0.0014%); highest among the groups gnomAD compares: East Asian, 0.0067%; no homozygotes.

Submission:

Labcorp Genetics (formerly Invitae), Labcorp
Classification: Uncertain significance for Deficiency of phosphoserine phosphatase. Last evaluated: 2023-11-28. Review status: criteria provided, single submitter. Criteria: Invitae Variant Classification Sherloc (09022015). Collection method: clinical testing. Allele origin: germline.
Comment: This sequence change replaces threonine, which is neutral and polar, with methionine, which is neutral and non-polar, at codon 149 of the PSPH protein (p.Thr149Met). This variant is present in population databases (rs374024099, gnomAD 0.01%). This variant has not been reported in the literature in individuals affected with PSPH-related conditions. ClinVar contains an entry for this variant (Variation ID: 1382194). Algorithms developed to predict the effect of missense changes on protein structure and function output the following: SIFT: "Not Available"; PolyPhen-2: "Benign"; Align-GVGD: "Not Available". The methionine amino acid residue is found in multiple mammalian species, which suggests that this missense change does not adversely affect protein function. Experimental studies have shown that this missense change does not substantially affect PSPH function (PMID: 31515488). In summary, the available evidence is currently insufficient to determine the role of this variant in disease. Therefore, it has been classified as a Variant of Uncertain Significance.

Literature cited by the submitters: PubMed 31515488.